The following is an entry in ClinVar:

NM_001375808.2(LPIN2):c.2328-15_2328-10del

Gene: LPIN2 (lipin 2; minus strand). Cytogenetic location: 18p11.31.
Variant type: Microsatellite.
Coding change: c.2328-15_2328-10del on transcript NM_001375808.2 (MANE Select); 15 bases into the intron before coding-DNA position 2328 through 10 bases into the intron before coding-DNA position 2328, 6 bases deleted (GTATTT; older notation c.2328-15_2328-10delGTATTT).
Molecular consequence: intron variant.
Genome position (GRCh38, 1-based): chr18:2,921,657-2,921,662, AAATAC deleted on the plus strand (GTATTT on the coding strand, the reverse complement: LPIN2 is on the minus strand); deleting any 6 consecutive bases within chr18:2,921,657-2,921,670 gives the same sequence; the c. name uses the placement nearest the transcript's 3' end. VCF-style (leftmost placement, unchanged base first): chr18-2921656-AAAATAC-A. GRCh37 (hg19) VCF-style: chr18-2921654-AAAATAC-A.
Other names: c.2328-15_2328-10del (NM_014646.2, NM_001375809.1); c.2328-15_2328-10delGTATTT (NM_014646.2).
Identifiers: ClinVar variation 508924 (VCV000508924.7), dbSNP rs770202563, ClinGen allele CA8872754.

ClinVar aggregate classification (germline): Likely benign. Review status: criteria provided, multiple submitters, no conflicts (2 of 4 stars). 3 submissions from 3 submitters: Likely benign (3). Last evaluated 2025-03-12.

Conditions:
Majeed syndrome (MJDS). Also called: CHRONIC RECURRENT MULTIFOCAL OSTEOMYELITIS 1, WITH CONGENITAL DYSERYTHROPOIETIC ANEMIA, WITH OR WITHOUT NEUTROPHILIC DERMATOSIS; LPIN2-Related Majeed Syndrome. Identifiers: Orphanet 77297, MedGen C1864997, MONDO:0012316, OMIM 609628.

Submissions (3):

Labcorp Genetics (formerly Invitae), Labcorp
Classification: Likely benign for Majeed syndrome. Last evaluated: 2025-03-12. Review status: criteria provided, single submitter. Criteria: Invitae Variant Classification Sherloc (09022015). Collection method: clinical testing. Allele origin: germline.

Blueprint Genetics
Classification: Likely benign. Last evaluated: 2020-04-21. Review status: criteria provided, single submitter. Criteria: ACMG Guidelines, 2015. Collection method: clinical testing. Allele origin: germline.

GeneDx
Classification: Likely benign. Last evaluated: 2017-04-13. Review status: criteria provided, single submitter. Criteria: GeneDx Variant Classification (06012015). Collection method: clinical testing. Allele origin: germline. Affected: yes.
Comment: This variant is considered likely benign or benign based on one or more of the following criteria: it is a conservative change, it occurs at a poorly conserved position in the protein, it is predicted to be benign by multiple in silico algorithms, and/or has population frequency not consistent with disease.